The following is an entry in ClinVar:

ClinVar aggregate classification (germline): Benign (3 of 4 stars; one submission).

Conditions:
Breast-ovarian cancer, familial, susceptibility to, 2 (BROVCA2). Also called: BRCA2 Hereditary Breast and Ovarian Cancer. Identifiers: Orphanet 145, MedGen C2675520, MONDO:0012933, OMIM 612555. Disease mechanism: loss of function.

Allele frequency attached by ClinVar (database versions not stated): 1000 Genomes Project 0.00379; 1000 Genomes Project 30x 0.00406; gnomAD 0.00469 and 0.00502; TOPMed 0.00527.
gnomAD v4.1: 703 of 151,942 alleles (0.46%); highest among the groups gnomAD compares: African/African-American, 1.7%; 5 homozygotes.

Submission:

Evidence-based Network for the Interpretation of Germline Mutant Alleles (ENIGMA)
Classification: Benign for Breast-ovarian cancer, familial 2. Last evaluated: 2015-01-12. Review status: reviewed by expert panel. Criteria: ENIGMA BRCA1/2 Classification Criteria (2015). Collection method: curation. Allele origin: germline.
Comment: Class 1 not pathogenic based on frequency >1% in an outbred sampleset. Frequency 0.0122 (African), derived from 1000 genomes (2012-04-30).

NM_000059.4(BRCA2):c.9257-4424G>T

Gene: BRCA2 (BRCA2 DNA repair associated; plus strand). Cytogenetic location: 13q13.1.
Variant type: single nucleotide variant.
Coding change: c.9257-4424G>T on transcript NM_000059.4 (MANE Select); 4424 bases into the intron before coding-DNA position 9257, G replaced by T.
Molecular consequence: intron variant.
Genome position (GRCh38, 1-based): chr13:32,390,265, G>T. VCF-style: chr13-32390265-G-T. GRCh37 (hg19) VCF-style: chr13-32964402-G-T.
Other names: IVS 24-4424G>T.
Identifiers: ClinVar variation 209889 (VCV000209889.1), dbSNP rs11571806, ClinGen allele CA276857.